The following is an entry in ClinVar:

ClinVar aggregate classification (germline): Likely benign. Review status: criteria provided, multiple submitters, no conflicts (2 of 4 stars). 3 submissions from 3 submitters: Likely benign (3). Last evaluated 2024-09-06.

Conditions:
Cardiac arrhythmia. Also called: Arrhythmia; Cardiac rhythm disease. Identifiers: MedGen C0003811, MONDO:0007263, HP:0011675.
Long QT syndrome (LQTS). Identifiers: MedGen C0023976, MeSH D008133, MONDO:0002442. Disease mechanism: loss of function. Inheritance: Various modes of inheritance.

Allele frequency attached by ClinVar (database versions not stated): gnomAD exomes below 0.00001 and 0.00001; gnomAD 0.00001; TOPMed 0.00001.

Submissions (3):

Labcorp Genetics (formerly Invitae), Labcorp
Classification: Likely benign for Long QT syndrome. Last evaluated: 2024-09-06. Review status: criteria provided, single submitter. Criteria: Invitae Variant Classification Sherloc (09022015). Collection method: clinical testing. Allele origin: germline.

Color Diagnostics, LLC DBA Color Health
Classification: Likely benign for Cardiac arrhythmia. Last evaluated: 2021-07-26. Review status: criteria provided, single submitter. Criteria: ACMG Guidelines, 2015. Collection method: clinical testing. Allele origin: germline.

GeneDx
Classification: Likely benign. Last evaluated: 2018-01-29. Review status: criteria provided, single submitter. Criteria: GeneDx Variant Classification (06012015). Collection method: clinical testing. Allele origin: germline. Affected: yes.
Comment: This variant is considered likely benign or benign based on one or more of the following criteria: it is a conservative change, it occurs at a poorly conserved position in the protein, it is predicted to be benign by multiple in silico algorithms, and/or has population frequency not consistent with disease.

NM_000238.4(KCNH2):c.132C>T (p.Cys44=)

Gene: KCNH2 (potassium voltage-gated channel subfamily H member 2; minus strand). Cytogenetic location: 7q36.1.
Variant type: single nucleotide variant.
Coding change: c.132C>T on transcript NM_000238.4 (MANE Select); coding-DNA position 132, C replaced by T.
Protein change: p.Cys44=; no amino-acid change (cysteine 44 retained).
Molecular consequence: synonymous variant. On other transcripts: 5 prime UTR variant (1), non-coding transcript variant (1).
Genome position (GRCh38, 1-based): chr7:150,974,886, G>A on the plus strand (C>T on the coding strand, the complement: KCNH2 is on the minus strand). VCF-style: chr7-150974886-G-A. GRCh37 (hg19) VCF-style: chr7-150671974-G-A.
Other names: c.-46C>T (NM_001406755.1); c.132C>T, p.Cys44= (NM_172056.3).
Identifiers: ClinVar variation 514956 (VCV000514956.11), dbSNP rs199472838, ClinGen allele CA458872447.